The following is an entry in ClinVar:

ClinVar aggregate classification (germline): Uncertain significance (0 of 4 stars; one submission).

Conditions:
FLCN-related disorder. Also called: FLCN-related condition.

Submission:

PreventionGenetics, part of Exact Sciences
Classification: Uncertain significance for FLCN-related condition. Last evaluated: 2024-05-02. Review status: no assertion criteria provided. Collection method: clinical testing. Allele origin: germline.
Comment: The FLCN c.98A>G variant is predicted to result in the amino acid substitution p.Asp33Gly. To our knowledge, this variant has not been reported in the literature or in a large population database, indicating this variant is rare. At this time, the clinical significance of this variant is uncertain due to the absence of conclusive functional and genetic evidence.

NM_144997.7(FLCN):c.98A>G (p.Asp33Gly)

Gene: FLCN (folliculin; minus strand). Cytogenetic location: 17p11.2.
Variant type: single nucleotide variant.
Coding change: c.98A>G on transcript NM_144997.7 (MANE Select); coding-DNA position 98, A replaced by G.
Protein change: p.Asp33Gly; replaces aspartic acid 33 with glycine.
Molecular consequence: missense variant.
Genome position (GRCh38, 1-based): chr17:17,228,040, T>C on the plus strand (A>G on the coding strand, the complement: FLCN is on the minus strand). VCF-style: chr17-17228040-T-C. GRCh37 (hg19) VCF-style: chr17-17131354-T-C.
Other names: c.98A>G, p.Asp33Gly (NM_001353229.2, NM_001353230.2, NM_001353231.2 and 1 more transcripts); short protein forms D33G.
Identifiers: ClinVar variation 3345199 (VCV003345199.1).